The following is an entry in ClinVar:

ClinVar aggregate classification (germline): Uncertain significance (1 of 4 stars; one submission).

Conditions:
Primary ciliary dyskinesia. Also called: Ciliary dyskinesia. Identifiers: Orphanet 244, MedGen C0008780, MONDO:0016575, HP:0012265.

Submission:

Labcorp Genetics (formerly Invitae), Labcorp
Classification: Uncertain significance for Primary ciliary dyskinesia. Last evaluated: 2020-11-11. Review status: criteria provided, single submitter. Criteria: Invitae Variant Classification Sherloc (09022015). Collection method: clinical testing. Allele origin: germline.
Comment: This sequence change replaces glutamic acid with glutamine at codon 793 of the DNAAF5 protein (p.Glu793Gln). The glutamic acid residue is moderately conserved and there is a small physicochemical difference between glutamic acid and glutamine. This variant is not present in population databases (ExAC no frequency). This variant has not been reported in the literature in individuals with DNAAF5-related conditions. Algorithms developed to predict the effect of missense changes on protein structure and function (SIFT, PolyPhen-2, Align-GVGD) all suggest that this variant is likely to be tolerated, but these predictions have not been confirmed by published functional studies and their clinical significance is uncertain. In summary, the available evidence is currently insufficient to determine the role of this variant in disease. Therefore, it has been classified as a Variant of Uncertain Significance.

NM_017802.4(DNAAF5):c.2377G>C (p.Glu793Gln)

Gene: DNAAF5 (dynein axonemal assembly factor 5; plus strand). Cytogenetic location: 7p22.3.
Variant type: single nucleotide variant.
Coding change: c.2377G>C on transcript NM_017802.4 (MANE Select); coding-DNA position 2377, G replaced by C.
Protein change: p.Glu793Gln; replaces glutamic acid 793 with glutamine.
Molecular consequence: missense variant. On other transcripts: non-coding transcript variant (1).
Genome position (GRCh38, 1-based): chr7:780,090, G>C. VCF-style: chr7-780090-G-C. GRCh37 (hg19) VCF-style: chr7-819727-G-C.
Other names: short protein forms E793Q.
Identifiers: ClinVar variation 1396224 (VCV001396224.8), dbSNP rs2128086442, ClinGen allele CA366548002.